The following is an entry in ClinVar:

NM_030973.4(MED25):c.1693C>T (p.Pro565Ser)

Gene: MED25 (mediator complex subunit 25; plus strand). Cytogenetic location: 19q13.33.
Variant type: single nucleotide variant.
Coding change: c.1693C>T on transcript NM_030973.4 (MANE Select); coding-DNA position 1693, C replaced by T.
Protein change: p.Pro565Ser; replaces proline 565 with serine.
Molecular consequence: missense variant.
Genome position (GRCh38, 1-based): chr19:49,835,552, C>T. VCF-style: chr19-49835552-C-T. GRCh37 (hg19) VCF-style: chr19-50338809-C-T.
Other names: c.1693C>T, p.Pro565Ser (NM_001378355.1); short protein forms P565S.
Identifiers: ClinVar variation 2115661 (VCV002115661.4), dbSNP rs2074089655, ClinGen allele CA406919458.

ClinVar aggregate classification (germline): Uncertain significance (1 of 4 stars; one submission).

Conditions:
Charcot-Marie-Tooth disease type 2. Also called: Charcot-Marie-Tooth type 2. Identifiers: Orphanet 64746, MedGen C0270914, MONDO:0018993.

Submission:

Labcorp Genetics (formerly Invitae), Labcorp
Classification: Uncertain significance for Charcot-Marie-Tooth disease type 2. Last evaluated: 2024-10-15. Review status: criteria provided, single submitter. Criteria: Invitae Variant Classification Sherloc (09022015). Collection method: clinical testing. Allele origin: germline.
Comment: This sequence change replaces proline, which is neutral and non-polar, with serine, which is neutral and polar, at codon 565 of the MED25 protein (p.Pro565Ser). This variant is not present in population databases (gnomAD no frequency). This variant has not been reported in the literature in individuals affected with MED25-related conditions. ClinVar contains an entry for this variant (Variation ID: 2115661). An algorithm developed to predict the effect of missense changes on protein structure and function (PolyPhen-2) suggests that this variant is likely to be tolerated. In summary, the available evidence is currently insufficient to determine the role of this variant in disease. Therefore, it has been classified as a Variant of Uncertain Significance.